The following is an entry in ClinVar:

NM_015192.4(PLCB1):c.2251G>A (p.Glu751Lys)

Gene: PLCB1 (phospholipase C beta 1; plus strand). Cytogenetic location: 20p12.3.
Variant type: single nucleotide variant.
Coding change: c.2251G>A on transcript NM_015192.4 (MANE Select); coding-DNA position 2251, G replaced by A.
Protein change: p.Glu751Lys; replaces glutamic acid 751 with lysine.
Molecular consequence: missense variant.
Genome position (GRCh38, 1-based): chr20:8,739,303, G>A. VCF-style: chr20-8739303-G-A. GRCh37 (hg19) VCF-style: chr20-8719950-G-A.
Other names: c.2251G>A, p.Glu751Lys (NM_182734.3); c.2251G>A (NM_015192.2); short protein forms E751K.
Identifiers: ClinVar variation 2124118 (VCV002124118.5), dbSNP rs2515302750, ClinGen allele CA408207698.

ClinVar aggregate classification (germline): Uncertain significance. Review status: criteria provided, multiple submitters, no conflicts (2 of 4 stars). 2 submissions from 2 submitters: Uncertain significance (2). Last evaluated 2022-09-07.

Conditions:
Developmental and epileptic encephalopathy, 12 (DEE12). Identifiers: MedGen C3150988, MONDO:0013389, OMIM 613722.

Submissions (2):

GeneDx
Classification: Uncertain significance. Last evaluated: 2022-09-07. Review status: criteria provided, single submitter. Criteria: GeneDx Variant Classification Process June 2021. Collection method: clinical testing. Allele origin: germline. Affected: yes.
Comment: Not observed at significant frequency in large population cohorts (gnomAD); In silico analysis supports that this missense variant has a deleterious effect on protein structure/function; Has not been previously published as pathogenic or benign to our knowledge

Labcorp Genetics (formerly Invitae), Labcorp
Classification: Uncertain significance for Developmental and epileptic encephalopathy, 12. Last evaluated: 2022-05-14. Review status: criteria provided, single submitter. Criteria: Invitae Variant Classification Sherloc (09022015). Collection method: clinical testing. Allele origin: germline.
Comment: In summary, the available evidence is currently insufficient to determine the role of this variant in disease. Therefore, it has been classified as a Variant of Uncertain Significance. Algorithms developed to predict the effect of missense changes on protein structure and function are either unavailable or do not agree on the potential impact of this missense change (SIFT: "Deleterious"; PolyPhen-2: "Probably Damaging"; Align-GVGD: "Class C0"). This variant has not been reported in the literature in individuals affected with PLCB1-related conditions. This variant is not present in population databases (gnomAD no frequency). This sequence change replaces glutamic acid, which is acidic and polar, with lysine, which is basic and polar, at codon 751 of the PLCB1 protein (p.Glu751Lys).